The following is an entry in ClinVar:

ClinVar aggregate classification (germline): Uncertain significance (1 of 4 stars; one submission).

Conditions:
Granulomatous disease, chronic, autosomal recessive, cytochrome b-positive, type 2. Also called: CGD, AUTOSOMAL RECESSIVE CYTOCHROME b-POSITIVE, TYPE II; GRANULOMATOUS DISEASE, CHRONIC, DUE TO NCF2 DEFICIENCY; Chronic Granulomatous Disease, Autosomal Recessive, Cytochrome b-Positive, Type II; GRANULOMATOUS DISEASE, CHRONIC, AUTOSOMAL RECESSIVE, 2; Chronic granulomatous disease due to deficiency of NCF-2. Identifiers: Orphanet 379, MedGen C1856245, MONDO:0009310, OMIM 233710.

Submission:

Labcorp Genetics (formerly Invitae), Labcorp
Classification: Uncertain significance for Granulomatous disease, chronic, autosomal recessive, cytochrome b-positive, type 2. Last evaluated: 2024-03-27. Review status: criteria provided, single submitter. Criteria: Invitae Variant Classification Sherloc (09022015). Collection method: clinical testing. Allele origin: germline.
Comment: This sequence change results in a frameshift in the NCF2 gene (p.Glu525Serfs*23). While this is not anticipated to result in nonsense mediated decay, it is expected to disrupt the last 2 amino acid(s) of the NCF2 protein and extend the protein by 20 additional amino acid residues. This variant is present in population databases (rs746336607, gnomAD 0.007%). This variant has not been reported in the literature in individuals affected with NCF2-related conditions. Experimental studies and prediction algorithms are not available or were not evaluated, and the functional significance of this variant is currently unknown. In summary, the available evidence is currently insufficient to determine the role of this variant in disease. Therefore, it has been classified as a Variant of Uncertain Significance.

NM_000433.4(NCF2):c.1573_1574del (p.Glu525fs)

Gene: NCF2 (neutrophil cytosolic factor 2; minus strand). Cytogenetic location: 1q25.3.
Variant type: Microsatellite.
Coding change: c.1573_1574del on transcript NM_000433.4 (MANE Select); coding-DNA positions 1573 to 1574, 2 bases deleted (GA; older notation c.1573_1574delGA).
Protein change: p.Glu525fs; shifts the reading frame from glutamic acid 525.
Molecular consequence: frameshift variant.
Genome position (GRCh38, 1-based): chr1:183,556,125-183,556,126, TC deleted on the plus strand (GA on the coding strand, the reverse complement: NCF2 is on the minus strand); deleting any 2 consecutive bases within chr1:183,556,125-183,556,130 gives the same sequence; the c. name uses the placement nearest the transcript's 3' end. VCF-style (leftmost placement, unchanged base first): chr1-183556124-TTC-T. GRCh37 (hg19) VCF-style: chr1-183525259-TTC-T.
Other names: c.1573_1574del, p.Glu525fs (NM_001127651.3); c.1330_1331del, p.Glu444fs (NM_001190789.2); c.1438_1439del, p.Glu480fs (NM_001190794.2); c.1465_1466del, p.Glu489fs (NM_001410895.1); short protein forms E444fs, E480fs, E489fs, E525fs.
Identifiers: ClinVar variation 3613314 (VCV003613314.2).
Genomic context (GRCh38, chr1:183,556,124, plus strand): 5'-TACAAACAAGTAATAGGGCTTCATTTTCTTCAGCTTTGTAGTTTGTGAAACATCCTAGAC[TTC>T]TCTCCGAGTGCTTTCCAAATCTGTAGTTGCGCAGTCTTCAACAAAAACTTTGGGGAAAAT-3'